The following is an entry in ClinVar:

ClinVar aggregate classification (germline): Uncertain significance (1 of 4 stars; one submission).

Submission:

Labcorp Genetics (formerly Invitae), Labcorp
Classification: Uncertain significance. Last evaluated: 2022-03-12. Review status: criteria provided, single submitter. Criteria: Invitae Variant Classification Sherloc (09022015). Collection method: clinical testing. Allele origin: germline.
Comment: This sequence change replaces glycine, which is neutral and non-polar, with serine, which is neutral and polar, at codon 1690 of the OTOGL protein (p.Gly1690Ser). Information on the frequency of this variant in the gnomAD database is not available, as this variant may be reported differently in the database. This variant has not been reported in the literature in individuals affected with OTOGL-related conditions. Experimental studies and prediction algorithms are not available or were not evaluated, and the functional significance of this variant is currently unknown. In summary, the available evidence is currently insufficient to determine the role of this variant in disease. Therefore, it has been classified as a Variant of Uncertain Significance.

NM_001378609.3(OTOGL):c.5094_5095inv (p.Gly1699Ser)

Gene: OTOGL (otogelin like; plus strand). Cytogenetic location: 12q21.31.
Variant type: Inversion.
Coding change: c.5094_5095inv on transcript NM_001378609.3 (MANE Select).
Protein change: p.Gly1699Ser; replaces glycine 1699 with serine.
Molecular consequence: missense variant.
Genome position: GRCh38 VCF-style: chr12-80341991-TG-CA. GRCh37 (hg19) VCF-style: chr12-80735771-TG-CA.
Other names: c.4959_4960inv, p.Gly1654Ser (NM_001368062.3); c.5094_5095inv, p.Gly1699Ser (NM_001378610.3, NM_173591.7); short protein forms G1654S, G1699S.
Identifiers: ClinVar variation 2174844 (VCV002174844.1), ClinGen allele CA2580086692.